The following is an entry in ClinVar:

ClinVar aggregate classification (germline): Uncertain significance. Review status: criteria provided, multiple submitters, no conflicts (2 of 4 stars). 3 submissions from 3 submitters: Uncertain significance (3). Last evaluated 2025-03-27.

Conditions:
Familial adenomatous polyposis 1 (FAP1). Also called: POLYPOSIS, ADENOMATOUS INTESTINAL; FAMILIAL ADENOMATOUS POLYPOSIS 1, ATTENUATED. Identifiers: MedGen C2713442, MONDO:0021056, OMIM 175100. Disease mechanism: loss of function.
Hereditary cancer-predisposing syndrome. Also called: Hereditary neoplastic syndrome; Hereditary Cancer Syndrome; Neoplastic Syndromes, Hereditary; Tumor predisposition. Identifiers: Orphanet 140162, MedGen C0027672, MeSH D009386, MONDO:0015356.

Allele frequency attached by ClinVar (database versions not stated): gnomAD exomes 0.00001.
gnomAD v4.1: 10 of 1,612,930 alleles (0.00062%); highest among the groups gnomAD compares: Non-Finnish European, 0.00085%; no homozygotes.

Submissions (3):

Ambry Genetics
Classification: Uncertain significance for Hereditary cancer-predisposing syndrome. Last evaluated: 2025-03-27. Review status: criteria provided, single submitter. Criteria: Ambry Variant Classification Scheme 2023. Collection method: clinical testing. Allele origin: germline.
Comment: The p.E140V variant (also known as c.419A>T), located in coding exon 3 of the APC gene, results from an A to T substitution at nucleotide position 419. The glutamic acid at codon 140 is replaced by valine, an amino acid with dissimilar properties. This amino acid position is conserved. In addition, in silico predictors for this gene do not accurately predict pathogenicity. Based on the available evidence, the clinical significance of this variant remains unclear.

Color Diagnostics, LLC DBA Color Health
Classification: Uncertain significance for Hereditary cancer-predisposing syndrome. Last evaluated: 2024-03-07. Review status: criteria provided, single submitter. Criteria: ACMG Guidelines, 2015. Collection method: clinical testing. Allele origin: germline.
Comment: This missense variant replaces glutamic acid with valine at codon 140 of the APC protein. Computational prediction is inconclusive regarding the impact of this variant on protein structure and function (internally defined REVEL score threshold 0.5 < inconclusive < 0.7, PMID: 27666373). Splice site prediction tools suggest that this variant may impact RNA splicing. To our knowledge, functional studies have not been reported for this variant. This variant has not been reported in individuals affected with hereditary cancer in the literature. This variant has not been identified in the general population by the Genome Aggregation Database (gnomAD). The available evidence is insufficient to determine the role of this variant in disease conclusively. Therefore, this variant is classified as a Variant of Uncertain Significance.

Labcorp Genetics (formerly Invitae), Labcorp
Classification: Uncertain significance for Familial adenomatous polyposis 1. Last evaluated: 2023-09-26. Review status: criteria provided, single submitter. Criteria: Invitae Variant Classification Sherloc (09022015). Collection method: clinical testing. Allele origin: germline.
Comment: This sequence change replaces glutamic acid, which is acidic and polar, with valine, which is neutral and non-polar, at codon 140 of the APC protein (p.Glu140Val). In summary, the available evidence is currently insufficient to determine the role of this variant in disease. Therefore, it has been classified as a Variant of Uncertain Significance. Algorithms developed to predict the effect of sequence changes on RNA splicing suggest that this variant may create or strengthen a splice site. Advanced modeling of protein sequence and biophysical properties (such as structural, functional, and spatial information, amino acid conservation, physicochemical variation, residue mobility, and thermodynamic stability) performed at Invitae indicates that this missense variant is not expected to disrupt APC protein function. This variant has not been reported in the literature in individuals affected with APC-related conditions. This variant is not present in population databases (gnomAD no frequency).

NM_000038.6(APC):c.419A>T (p.Glu140Val)

Gene: APC (APC regulator of Wnt signaling pathway; plus strand). Cytogenetic location: 5q22.2.
Variant type: single nucleotide variant.
Coding change: c.419A>T on transcript NM_000038.6 (MANE Select); coding-DNA position 419, A replaced by T.
Protein change: p.Glu140Val; replaces glutamic acid 140 with valine.
Molecular consequence: missense variant. On other transcripts: 5 prime UTR variant (4), non-coding transcript variant (2).
Genome position (GRCh38, 1-based): chr5:112,767,387, A>T. VCF-style: chr5-112767387-A-T. GRCh37 (hg19) VCF-style: chr5-112103084-A-T.
Other names: c.-617A>T (NM_001407470.1, NM_001407471.1, NM_001407472.1 and 1 more transcripts); c.419A>T, p.Glu140Val (NM_001127510.3, NM_001354895.2, NM_001354896.2 and 16 more transcripts); c.449A>T, p.Glu150Val (NM_001127511.3, NM_001354897.2, NM_001354902.2 and 1 more transcripts); c.344A>T, p.Glu115Val (NM_001354898.2, NM_001354904.2, NM_001407451.1); c.242A>T, p.Glu81Val (NM_001354900.2, NM_001354901.2, NM_001354905.2 and 1 more transcripts); c.419A>T (NM_000038.5); short protein forms E150V, E115V, E81V, E140V.
Identifiers: ClinVar variation 2773700 (VCV002773700.6), dbSNP rs2149790052, ClinGen allele CA16022241.